The following is an entry in ClinVar:

ClinVar aggregate classification (germline): Uncertain significance (1 of 4 stars; one submission).

gnomAD v4.1: 4 of 1,524,272 alleles (0.00026%); no homozygotes.

Submission:

Mayo Clinic Laboratories, Mayo Clinic
Classification: Uncertain significance. Last evaluated: 2025-01-09. Review status: criteria provided, single submitter. Criteria: ACMG Guidelines, 2015. Collection method: clinical testing. Allele origin: germline. Observed: 1 variant allele.
Comment: PM2_supporting

NM_001379200.1(TBX1):c.976G>A (p.Ala326Thr)

Gene: TBX1 (T-box transcription factor 1; plus strand). Cytogenetic location: 22q11.21.
Variant type: single nucleotide variant.
Coding change: c.976G>A on transcript NM_001379200.1 (MANE Select); coding-DNA position 976, G replaced by A.
Protein change: p.Ala326Thr; replaces alanine 326 with threonine.
Molecular consequence: missense variant.
Genome position (GRCh38, 1-based): chr22:19,765,942, G>A. VCF-style: chr22-19765942-G-A. GRCh37 (hg19) VCF-style: chr22-19753465-G-A.
Other names: p.Ala317Thr; c.949G>A, p.Ala317Thr (NM_005992.1, NM_080646.2, NM_080647.1); short protein forms A326T, A317T.
Identifiers: ClinVar variation 4542431 (VCV004542431.1).